The following is an entry in ClinVar:

NM_007194.4(CHEK2):c.537del (p.Lys179fs)

Gene: CHEK2 (checkpoint kinase 2; minus strand). Cytogenetic location: 22q12.1.
Variant type: Deletion.
Coding change: c.537del on transcript NM_007194.4 (MANE Select); coding-DNA position 537, one base deleted (A; older notation c.537delA).
Protein change: p.Lys179fs; shifts the reading frame from lysine 179.
Molecular consequence: frameshift variant. On other transcripts: 5 prime UTR variant (2), intron variant (1).
Genome position (GRCh38, 1-based): chr22:28,725,032, T deleted on the plus strand (A on the coding strand, the reverse complement: CHEK2 is on the minus strand); the first of 4 consecutive T bases (chr22:28,725,032-28,725,035); deleting any one gives the same sequence. VCF-style (leftmost placement, unchanged base first): chr22-28725031-GT-G. GRCh37 (hg19) VCF-style: chr22-29121019-GT-G.
Other names: c.666del, p.Lys222fs (NM_001005735.3, NM_001438294.1); c.-241del (NM_001257387.3); c.-127del (NM_001437942.1); c.630del, p.Lys210fs (NM_001438293.1, NM_001438295.1); c.537del, p.Lys179fs (NM_145862.3); c.445-109del (NM_001349956.3); short protein forms K179fs, K222fs, K210fs.
Identifiers: ClinVar variation 835484 (VCV000835484.10), dbSNP rs2053940893, ClinGen allele CA916083803.
Genomic context (GRCh38, chr22:28,725,031, plus strand): 5'-TATTACCTTTATTTCTGCTTAGTGACAGTGCAATTTCAGAATTGTTATTCAAAGGACGGC[GT>G]TTTCCTTTCCCTACAAGCTCTGTATTTACAAAGGTTCCATTGCCACTGTGATCTTCTATG-3'

ClinVar aggregate classification (germline): Pathogenic. Review status: criteria provided, multiple submitters, no conflicts (2 of 4 stars). 2 submissions from 2 submitters: Pathogenic (2). Last evaluated 2024-01-15.

Conditions:
Familial cancer of breast. Also called: hereditary breast carcinoma; BREAST CANCER, FAMILIAL; Hereditary breast cancer. Identifiers: Orphanet 227535, MedGen C0346153, MONDO:0016419, OMIM 114480. Disease mechanism: loss of function.

Submissions (2):

Labcorp Genetics (formerly Invitae), Labcorp
Classification: Pathogenic for Familial cancer of breast. Last evaluated: 2024-01-15. Review status: criteria provided, single submitter. Criteria: Invitae Variant Classification Sherloc (09022015). Collection method: clinical testing. Allele origin: germline.
Comment: This sequence change creates a premature translational stop signal (p.Lys179Asnfs*5) in the CHEK2 gene. It is expected to result in an absent or disrupted protein product. Loss-of-function variants in CHEK2 are known to be pathogenic (PMID: 21876083, 24713400). This variant is not present in population databases (gnomAD no frequency). This variant has not been reported in the literature in individuals affected with CHEK2-related conditions. ClinVar contains an entry for this variant (Variation ID: 835484). Algorithms developed to predict the effect of sequence changes on RNA splicing suggest that this variant may disrupt the consensus splice site. For these reasons, this variant has been classified as Pathogenic.

Myriad Genetics, Inc.
Classification: Pathogenic for Familial cancer of breast. Last evaluated: 2023-06-26. Review status: criteria provided, single submitter. Criteria: Myriad Autosomal Dominant, Autosomal Recessive and X-Linked Classification Criteria (2023). Collection method: clinical testing. Allele origin: unknown.
Comment: This variant is considered pathogenic. This variant creates a frameshift predicted to result in premature protein truncation.

Literature cited by the submitters: PubMed 21876083 (cited by Labcorp Genetics (formerly Invitae), Labcorp); PubMed 24713400 (cited by Labcorp Genetics (formerly Invitae), Labcorp).